The following is an entry in ClinVar:

NC_000014.9:g.(?_54902301)_(54902683_?)del

Genes: GCH1 (GTP cyclohydrolase 1; minus strand), LOC130055692 (ATAC-STARR-seq lymphoblastoid silent region 5776; plus strand). Cytogenetic location: 14q22.2.
Variant type: Deletion.
Identifiers: ClinVar variation 529416 (VCV000529416.1).

ClinVar aggregate classification (germline): Pathogenic (1 of 4 stars; one submission).

Conditions:
GTP cyclohydrolase I deficiency. Identifiers: MedGen C0268467, MONDO:0100184.
Dystonia 5 (DRD). Also called: Dystonia, DOPA-responsive, with or without hyperphenylalaninemia; DYT-GCH1; DYSTONIA, PROGRESSIVE, WITH DIURNAL VARIATION; DYSTONIA-PARKINSONISM WITH DIURNAL FLUCTUATION; GTP Cyclohydrolase 1-Deficient Dopa-Responsive Dystonia. Identifiers: Orphanet 98808, MedGen C1851920, MONDO:0007495, OMIM 128230.

Submission:

Labcorp Genetics (formerly Invitae), Labcorp
Classification: Pathogenic for GTP cyclohydrolase I deficiency; Dystonia 5. Last evaluated: 2017-12-01. Review status: criteria provided, single submitter. Criteria: Invitae Variant Classification Sherloc (09022015). Collection method: clinical testing. Allele origin: germline.
Comment: This variant is a gross deletion of the genomic region encompassing exon 1 of the GCH1 gene, which includes the initiator codon. The 5' end of this event is unknown as it extends beyond the assayed region for this gene and therefore may encompass additional genes. The 3' boundary is likely confined to intron 1 of the GCH1 gene. This is expected to result in an absent or disrupted protein product. Deletion of exon 1 has been reported in individuals affected with dopa-responsive dystonia (PMID: 12473771, 26400349). In one case, it was shown to be inherited from an unaffected parent (PMID: 12473771). Loss-of-function variants in GCH1 are known to be pathogenic (PMID: 19491146). For these reasons, this variant has been classified as Pathogenic.

Literature cited by the submitters: PubMed 26400349; PubMed 12473771.